The following is an entry in ClinVar:

NM_000393.5(COL5A2):c.1126T>C (p.Ser376Pro)

Gene: COL5A2 (collagen type V alpha 2 chain; minus strand). Cytogenetic location: 2q32.2.
Variant type: single nucleotide variant.
Coding change: c.1126T>C on transcript NM_000393.5 (MANE Select); coding-DNA position 1126, T replaced by C.
Protein change: p.Ser376Pro; replaces serine 376 with proline.
Molecular consequence: missense variant.
Genome position (GRCh38, 1-based): chr2:189,072,072, A>G on the plus strand (T>C on the coding strand, the complement: COL5A2 is on the minus strand). VCF-style: chr2-189072072-A-G. GRCh37 (hg19) VCF-style: chr2-189936798-A-G.
Other names: short protein forms S376P.
Identifiers: ClinVar variation 2768445 (VCV002768445.3), dbSNP rs2469321807, ClinGen allele CA349854483.

ClinVar aggregate classification (germline): Uncertain significance (1 of 4 stars; one submission).

Conditions:
Ehlers-Danlos syndrome, classic type, 1 (EDSCL1). Also called: EHLERS-DANLOS SYNDROME, GRAVIS TYPE; EHLERS-DANLOS SYNDROME, SEVERE CLASSIC TYPE; Ehlers-Danlos syndrome, type 1; Ehlers-Danlos Syndrome, Classic Type, COL5A1-Related; EDS I. Identifiers: MedGen C0268335, MONDO:0019567, OMIM 130000.

Submission:

Labcorp Genetics (formerly Invitae), Labcorp
Classification: Uncertain significance for Ehlers-Danlos syndrome, classic type, 1. Last evaluated: 2023-10-14. Review status: criteria provided, single submitter. Criteria: Invitae Variant Classification Sherloc (09022015). Collection method: clinical testing. Allele origin: germline.
Comment: This sequence change replaces serine, which is neutral and polar, with proline, which is neutral and non-polar, at codon 376 of the COL5A2 protein (p.Ser376Pro). This variant is not present in population databases (gnomAD no frequency). This variant has not been reported in the literature in individuals affected with COL5A2-related conditions. Advanced modeling of protein sequence and biophysical properties (such as structural, functional, and spatial information, amino acid conservation, physicochemical variation, residue mobility, and thermodynamic stability) has been performed at Invitae for this missense variant, however the output from this modeling did not meet the statistical confidence thresholds required to predict the impact of this variant on COL5A2 protein function. In summary, the available evidence is currently insufficient to determine the role of this variant in disease. Therefore, it has been classified as a Variant of Uncertain Significance.